The following is an entry in ClinVar:

ClinVar aggregate classification (germline): Likely benign (0 of 4 stars; one submission).

Conditions:
ALOX5AP-related disorder. Also called: ALOX5AP-related condition.

Allele frequency attached by ClinVar (database versions not stated): 1000 Genomes Project 0.00339; 1000 Genomes Project 30x 0.00359; ESP Exome Variant Server 0.00438; gnomAD 0.00462; TOPMed 0.00515.
gnomAD v4.1: 1,521 of 1,614,124 alleles (0.094%); highest among the groups gnomAD compares: African/African-American, 1.6%; 17 homozygotes.

Submission:

PreventionGenetics, part of Exact Sciences
Classification: Likely benign for ALOX5AP-related condition. Last evaluated: 2023-12-04. Review status: no assertion criteria provided. Collection method: clinical testing. Allele origin: germline.
Comment: This variant is classified as likely benign based on ACMG/AMP sequence variant interpretation guidelines (Richards et al. 2015 PMID: 25741868, with internal and published modifications).

NM_001629.4(ALOX5AP):c.42C>T (p.Ile14=)

Gene: ALOX5AP (arachidonate 5-lipoxygenase activating protein; plus strand). Cytogenetic location: 13q12.3.
Variant type: single nucleotide variant.
Coding change: c.42C>T on transcript NM_001629.4 (MANE Select); coding-DNA position 42, C replaced by T.
Protein change: p.Ile14=; no amino-acid change (isoleucine 14 retained).
Molecular consequence: synonymous variant.
Genome position (GRCh38, 1-based): chr13:30,735,647, C>T. VCF-style: chr13-30735647-C-T. GRCh37 (hg19) VCF-style: chr13-31309784-C-T.
Other names: c.213C>T, p.Ile71= (NM_001204406.2).
Identifiers: ClinVar variation 3041525 (VCV003041525.2), dbSNP rs11542984, ClinGen allele CA6934746.